The following is an entry in ClinVar:

ClinVar aggregate classification (germline): Uncertain significance. Review status: criteria provided, multiple submitters, no conflicts (2 of 4 stars). 2 submissions from 2 submitters: Uncertain significance (2). Last evaluated 2025-08-21.

Conditions:
Inborn genetic diseases. Identifiers: MedGen C0950123, MeSH D030342.

Allele frequency attached by ClinVar (database versions not stated): TOPMed below 0.00001; gnomAD exomes 0.00001; ExAC 0.00002.
gnomAD v4.1: 9 of 1,614,082 alleles (0.00056%); highest among the groups gnomAD compares: Non-Finnish European, 0.00068%; no homozygotes.

Submissions (2):

Ambry Genetics
Classification: Uncertain significance for Inborn genetic diseases. Last evaluated: 2025-08-21. Review status: criteria provided, single submitter. Criteria: Ambry Variant Classification Scheme 2023. Collection method: clinical testing. Allele origin: germline.

Labcorp Genetics (formerly Invitae), Labcorp
Classification: Uncertain significance. Last evaluated: 2022-05-06. Review status: criteria provided, single submitter. Criteria: Invitae Variant Classification Sherloc (09022015). Collection method: clinical testing. Allele origin: germline.
Comment: This sequence change replaces asparagine, which is neutral and polar, with serine, which is neutral and polar, at codon 772 of the KMT2E protein (p.Asn772Ser). In summary, the available evidence is currently insufficient to determine the role of this variant in disease. Therefore, it has been classified as a Variant of Uncertain Significance. Algorithms developed to predict the effect of missense changes on protein structure and function (SIFT, PolyPhen-2, Align-GVGD) all suggest that this variant is likely to be tolerated. This variant has not been reported in the literature in individuals affected with KMT2E-related conditions. This variant is present in population databases (rs778740203, gnomAD 0.002%).

NM_182931.3(KMT2E):c.2315A>G (p.Asn772Ser)

Gene: KMT2E (lysine methyltransferase 2E (inactive); plus strand). Cytogenetic location: 7q22.3.
Variant type: single nucleotide variant.
Coding change: c.2315A>G on transcript NM_182931.3 (MANE Select); coding-DNA position 2315, A replaced by G.
Protein change: p.Asn772Ser; replaces asparagine 772 with serine.
Molecular consequence: missense variant.
Genome position (GRCh38, 1-based): chr7:105,105,557, A>G. VCF-style: chr7-105105557-A-G. GRCh37 (hg19) VCF-style: chr7-104746004-A-G.
Other names: c.2315A>G (NM_182931.2); c.2315A>G, p.Asn772Ser (NM_001410908.1, NM_018682.4); short protein forms N772S.
Identifiers: ClinVar variation 2152224 (VCV002152224.5), dbSNP rs778740203, ClinGen allele CA4424191.